The following is an entry in ClinVar:

NM_033310.3(KCNK4):c.1151_1160dup (p.Asp388fs)

Genes: KCNK4 (potassium two pore domain channel subfamily K member 4; plus strand), KCNK4-CATSPERZ (KCNK4-CATSPERZ readthrough (NMD candidate); plus strand). Cytogenetic location: 11q13.1.
Variant type: Duplication.
Coding change: c.1151_1160dup on transcript NM_033310.3 (MANE Select); coding-DNA positions 1151 to 1160, 10 bases duplicated (GGCGTCCCCG; older notation c.1151_1160dupGGCGTCCCCG).
Protein change: p.Asp388fs; shifts the reading frame from aspartic acid 388.
Molecular consequence: frameshift variant. On other transcripts: non-coding transcript variant (3).
Genome position (GRCh38, 1-based): chr11:64,299,695-64,299,704, GGCGTCCCCG duplicated; duplicating any 10 consecutive bases within chr11:64,299,690-64,299,704 gives the same sequence; the c. name uses the placement nearest the transcript's 3' end. VCF-style (leftmost placement, unchanged base first): chr11-64299689-G-GCCCCGGGCGT. GRCh37 (hg19) VCF-style: chr11-64067161-G-GCCCCGGGCGT.
Other names: c.1151_1160dup, p.Asp388fs (NM_001317090.2); short protein forms D388fs.
Identifiers: ClinVar variation 1395085 (VCV001395085.7), dbSNP rs2034880595, ClinGen allele CA2573147407.

ClinVar aggregate classification (germline): Uncertain significance. Review status: criteria provided, multiple submitters, no conflicts (2 of 4 stars). 2 submissions from 2 submitters: Uncertain significance (2). Last evaluated 2024-08-07.

Submissions (2):

Blueprint Genetics
Classification: Uncertain significance. Last evaluated: 2024-08-07. Review status: criteria provided, single submitter. Criteria: ACMG Guidelines, 2015. Collection method: clinical testing. Allele origin: germline.

Labcorp Genetics (formerly Invitae), Labcorp
Classification: Uncertain significance. Last evaluated: 2022-02-04. Review status: criteria provided, single submitter. Criteria: Invitae Variant Classification Sherloc (09022015). Collection method: clinical testing. Allele origin: germline.
Comment: This sequence change results in a frameshift in the KCNK4 gene (p.Asp388Alafs*43). While this is not anticipated to result in nonsense mediated decay, it is expected to disrupt the last 6 amino acid(s) of the KCNK4 protein and extend the protein by 36 additional amino acid residues. This variant is not present in population databases (gnomAD no frequency). This variant has not been reported in the literature in individuals affected with KCNK4-related conditions. In summary, the available evidence is currently insufficient to determine the role of this variant in disease. Therefore, it has been classified as a Variant of Uncertain Significance.